The following is an entry in ClinVar:

NM_206933.4(USH2A):c.11956A>G (p.Thr3986Ala)

Gene: USH2A (usherin; minus strand). Cytogenetic location: 1q41.
Variant type: single nucleotide variant.
Coding change: c.11956A>G on transcript NM_206933.4 (MANE Select); coding-DNA position 11956, A replaced by G.
Protein change: p.Thr3986Ala; replaces threonine 3986 with alanine.
Molecular consequence: missense variant.
Genome position (GRCh38, 1-based): chr1:215,728,140, T>C on the plus strand (A>G on the coding strand, the complement: USH2A is on the minus strand). VCF-style: chr1-215728140-T-C. GRCh37 (hg19) VCF-style: chr1-215901482-T-C.
Other names: short protein forms T3986A.
Identifiers: ClinVar variation 180064 (VCV000180064.9), dbSNP rs727505322, ClinGen allele CA185733.

ClinVar aggregate classification (germline): Uncertain significance. Review status: criteria provided, multiple submitters, no conflicts (2 of 4 stars). 6 submissions from 5 submitters: Uncertain significance (4). 2 of the submissions do not count toward it. Last evaluated 2023-11-04.

Conditions:
Retinitis pigmentosa 39 (RP39). Identifiers: Orphanet 791, MedGen C3151138, MONDO:0013436, OMIM 613809.
Usher syndrome type 2A. Also called: RETINAL DISEASE IN USHER SYNDROME TYPE IIA, MODIFIER OF; USHER SYNDROME, TYPE IIA. Identifiers: Orphanet 231178, Orphanet 886, MedGen C1848634, MONDO:0010169, OMIM 276901.

Allele frequency attached by ClinVar (database versions not stated): gnomAD exomes below 0.00001; gnomAD 0.00001; TOPMed 0.00001.
gnomAD v4.1: 7 of 1,614,054 alleles (0.00043%); highest among the groups gnomAD compares: African/African-American, 0.004%; no homozygotes.

Submissions (6):

Genome-Nilou Lab
Classification: Uncertain significance for Retinitis pigmentosa 39. Last evaluated: 2023-11-04. Review status: criteria provided, single submitter. Criteria: ACMG Guidelines, 2015. Collection method: clinical testing. Allele origin: germline. Affected: no.

Genome-Nilou Lab
Classification: Uncertain significance for Usher syndrome type 2A. Last evaluated: 2023-11-04. Review status: criteria provided, single submitter. Criteria: ACMG Guidelines, 2015. Collection method: clinical testing. Allele origin: germline. Affected: no.

Blueprint Genetics
Classification: Uncertain significance. Last evaluated: 2022-02-22. Review status: criteria provided, single submitter. Criteria: ACMG Guidelines, 2015. Collection method: clinical testing. Allele origin: germline.

Laboratory for Molecular Medicine, Mass General Brigham Personalized Medicine
Classification: Uncertain significance. Last evaluated: 2014-11-17. Review status: criteria provided, single submitter. Criteria: LMM Criteria. Collection method: clinical testing. Allele origin: germline. Observed: 1 variant allele.
Comment: The p.Thr3986Ala variant in USH2A has not been previously reported in individual s with hearing loss or in large population studies. Computational prediction too ls and conservation analyses do not provide strong support for or against an imp act to the protein. In summary, the clinical significance of the p.Thr3986Ala va riant is uncertain.

Natera, Inc.
Classification: Uncertain significance for Usher syndrome type 2A. Last evaluated: 2020-08-14. Review status: no assertion criteria provided. Collection method: clinical testing. Allele origin: germline. Not counted in ClinVar's aggregate classification.

Counsyl
Classification: Uncertain significance for Usher syndrome type 2A; Retinitis pigmentosa 39. Last evaluated: 2017-03-29. Review status: no assertion criteria provided. Collection method: clinical testing. Allele origin: unknown. Not counted in ClinVar's aggregate classification.